The following is an entry in ClinVar:

ClinVar aggregate classification (germline): Likely benign (1 of 4 stars; one submission).

Conditions:
Renal hypomagnesemia 5 with ocular involvement. Also called: FHHNC WITH SEVERE OCULAR INVOLVEMENT; HYPOMAGNESEMIA, FAMILIAL, WITH HYPERCALCIURIA, NEPHROCALCINOSIS, AND SEVERE OCULAR INVOLVEMENT; MACULAR COLOBOMA, BILATERAL, WITH HYPERCALCIURIA; HYPOMAGNESEMIA 5, RENAL, WITH OR WITHOUT OCULAR INVOLVEMENT. Identifiers: Orphanet 2196, MedGen C4721891, MONDO:0009548, OMIM 248190.

Allele frequency attached by ClinVar (database versions not stated): TOPMed 0.00017; 1000 Genomes Project 0.00280; 1000 Genomes Project 30x 0.00281.

Submission:

Illumina Laboratory Services, Illumina
Classification: Likely benign for Renal hypomagnesemia 5 with ocular involvement. Last evaluated: 2018-01-13. Review status: criteria provided, single submitter. Criteria: ICSL Variant Classification Criteria 13 December 2019. Collection method: clinical testing. Allele origin: germline.
Comment: This variant was observed in the ICSL laboratory as part of a predisposition screen in an ostensibly healthy population. It had not been previously curated by ICSL or reported in the Human Gene Mutation Database (HGMD: prior to June 1st, 2018), and was therefore a candidate for classification through an automated scoring system. Utilizing variant allele frequency, disease prevalence and penetrance estimates, and inheritance mode, an automated score was calculated to assess if this variant is too frequent to cause the disease. Based on the score and internal cut-off values, a variant classified as likely benign is not then subjected to further curation. The score for this variant resulted in a classification of likely benign for this disease.

NM_148960.3(CLDN19):c.*845C>G

Gene: CLDN19 (claudin 19; minus strand). Cytogenetic location: 1p34.2.
Variant type: single nucleotide variant.
Coding change: c.*845C>G on transcript NM_148960.3 (MANE Select); 845 bases downstream of the stop codon, C replaced by G.
Molecular consequence: 3 prime UTR variant.
Genome position (GRCh38, 1-based): chr1:42,734,241, G>C on the plus strand (C>G on the coding strand, the complement: CLDN19 is on the minus strand). VCF-style: chr1-42734241-G-C. GRCh37 (hg19) VCF-style: chr1-43199912-G-C.
Other names: c.*1627C>G (NM_001123395.2); c.*1521C>G (NM_001185117.2).
Identifiers: ClinVar variation 297327 (VCV000297327.5), dbSNP rs377585440, ClinGen allele CA10611038.